The following is an entry in ClinVar:

NM_000350.3(ABCA4):c.2310C>G (p.Phe770Leu)

Gene: ABCA4 (ATP binding cassette subfamily A member 4; minus strand). Cytogenetic location: 1p22.1.
Variant type: single nucleotide variant.
Coding change: c.2310C>G on transcript NM_000350.3 (MANE Select); coding-DNA position 2310, C replaced by G.
Protein change: p.Phe770Leu; replaces phenylalanine 770 with leucine.
Molecular consequence: missense variant.
Genome position (GRCh38, 1-based): chr1:94,056,673, G>C on the plus strand (C>G on the coding strand, the complement: ABCA4 is on the minus strand). VCF-style: chr1-94056673-G-C. GRCh37 (hg19) VCF-style: chr1-94522229-G-C.
Other names: short protein forms F770L.
Identifiers: ClinVar variation 856775 (VCV000856775.9), dbSNP rs1660985145, ClinGen allele CA341277799.

ClinVar aggregate classification (germline): Uncertain significance (1 of 4 stars; one submission).

Submission:

Labcorp Genetics (formerly Invitae), Labcorp
Classification: Uncertain significance. Last evaluated: 2024-12-02. Review status: criteria provided, single submitter. Criteria: Invitae Variant Classification Sherloc (09022015). Collection method: clinical testing. Allele origin: germline.
Comment: This sequence change replaces phenylalanine, which is neutral and non-polar, with leucine, which is neutral and non-polar, at codon 770 of the ABCA4 protein (p.Phe770Leu). This variant is not present in population databases (gnomAD no frequency). This variant has not been reported in the literature in individuals affected with ABCA4-related conditions. ClinVar contains an entry for this variant (Variation ID: 856775). An algorithm developed to predict the effect of missense changes on protein structure and function outputs the following: PolyPhen-2: "Benign". The leucine amino acid residue is found in multiple mammalian species, which suggests that this missense change does not adversely affect protein function. In summary, the available evidence is currently insufficient to determine the role of this variant in disease. Therefore, it has been classified as a Variant of Uncertain Significance.